The following is an entry in ClinVar:

NM_003098.3(SNTA1):c.375G>C (p.Gln125His)

Gene: SNTA1 (syntrophin alpha 1; minus strand). Cytogenetic location: 20q11.21.
Variant type: single nucleotide variant.
Coding change: c.375G>C on transcript NM_003098.3 (MANE Select); coding-DNA position 375, G replaced by C.
Protein change: p.Gln125His; replaces glutamine 125 with histidine.
Molecular consequence: missense variant.
Genome position (GRCh38, 1-based): chr20:33,438,962, C>G on the plus strand (G>C on the coding strand, the complement: SNTA1 is on the minus strand). VCF-style: chr20-33438962-C-G. GRCh37 (hg19) VCF-style: chr20-32026768-C-G.
Other names: short protein forms Q125H.
Identifiers: ClinVar variation 191512 (VCV000191512.15), dbSNP rs201421292, ClinGen allele CA236849.

ClinVar aggregate classification (germline): Uncertain significance. Review status: criteria provided, multiple submitters, no conflicts (2 of 4 stars). 5 submissions from 5 submitters: Uncertain significance (5). Last evaluated 2019-11-29.

Conditions:
Long QT syndrome (LQTS). Identifiers: MedGen C0023976, MeSH D008133, MONDO:0002442. Disease mechanism: loss of function. Inheritance: Various modes of inheritance.
Long QT syndrome 12 (LQT12). Identifiers: Orphanet 101016, Orphanet 768, MedGen C2751830, MONDO:0013062, OMIM 612955.

Allele frequency attached by ClinVar (database versions not stated): gnomAD exomes below 0.00001; ExAC 0.00001; gnomAD 0.00001.
gnomAD v4.1: 4 of 1,614,068 alleles (0.00025%); highest among the groups gnomAD compares: Non-Finnish European, 0.00034%; no homozygotes.

Submissions (5):

Labcorp Genetics (formerly Invitae), Labcorp
Classification: Uncertain significance for Long QT syndrome. Last evaluated: 2019-11-29. Review status: criteria provided, single submitter. Criteria: Invitae Variant Classification Sherloc (09022015). Collection method: clinical testing. Allele origin: germline.
Comment: This sequence change replaces glutamine with histidine at codon 125 of the SNTA1 protein (p.Gln125His). The glutamine residue is highly conserved and there is a small physicochemical difference between glutamine and histidine. This variant is present in population databases (rs201421292, ExAC 0.001%). This variant has not been reported in the literature in individuals with SNTA1-related conditions. ClinVar contains an entry for this variant (Variation ID: 191512). Algorithms developed to predict the effect of missense changes on protein structure and function are either unavailable or do not agree on the potential impact of this missense change (SIFT: "Deleterious"; PolyPhen-2: "Probably Damaging"; Align-GVGD: "Class C0"). In summary, the available evidence is currently insufficient to determine the role of this variant in disease. Therefore, it has been classified as a Variant of Uncertain Significance.

GeneDx
Classification: Uncertain significance. Last evaluated: 2019-10-01. Review status: criteria provided, single submitter. Criteria: GeneDx Variant Classification Process June 2021. Collection method: clinical testing. Allele origin: germline. Affected: yes.
Comment: Identified in association with LQTS in published literature (Marschall et al., 2019); Not observed at a significant frequency in large population cohorts (Lek et al., 2016); Reported as a variant of uncertain significance in ClinVar (ClinVar Variant ID# 191512; Landrum et al., 2016); In silico analysis, which includes protein predictors and evolutionary conservation, supports a deleterious effect; This variant is associated with the following publications: (PMID: 31737537)

Illumina Laboratory Services, Illumina
Classification: Uncertain significance for Long QT syndrome 12. Last evaluated: 2018-01-13. Review status: criteria provided, single submitter. Criteria: ICSL Variant Classification Criteria 13 December 2019. Collection method: clinical testing. Allele origin: germline.

MVZ Martinsried, Medicover Genetics
Classification: Uncertain significance for Long QT syndrome 12. Last evaluated: 2017-05-15. Review status: criteria provided, single submitter. Criteria: ACMG Guidelines, 2015. Collection method: clinical testing. Allele origin: unknown. Affected: yes.

Biesecker Lab/Clinical Genomics Section, National Institutes of Health
Classification: Uncertain significance. Last evaluated: 2013-06-24. Review status: criteria provided, single submitter. Criteria: Ng et al. (Circ Cardiovasc Genet. 2013). Collection method: research. Allele origin: unknown. Observed: 1 variant allele. Study: ClinSeq.
Comment: The study set was not selected for affection status in relation to any cancer. Pathogenicity categories were based on literature curation. See Pubmed ID:23861362 for details.

Medical sequencing